The following is an entry in ClinVar:

NM_020812.4(DOCK6):c.2498C>A (p.Ala833Asp)

Gene: DOCK6 (dedicator of cytokinesis 6; minus strand). Cytogenetic location: 19p13.2.
Variant type: single nucleotide variant.
Coding change: c.2498C>A on transcript NM_020812.4 (MANE Select); coding-DNA position 2498, C replaced by A.
Protein change: p.Ala833Asp; replaces alanine 833 with aspartic acid.
Molecular consequence: missense variant.
Genome position (GRCh38, 1-based): chr19:11,235,654, G>T on the plus strand (C>A on the coding strand, the complement: DOCK6 is on the minus strand). VCF-style: chr19-11235654-G-T. GRCh37 (hg19) VCF-style: chr19-11346330-G-T.
Other names: c.2498C>A (NM_020812.3, NM_020812.2); c.2498C>A, p.Ala833Asp (NM_001367830.1); short protein forms A833D.
Identifiers: ClinVar variation 1001046 (VCV001001046.9), dbSNP rs773345225, ClinGen allele CA9207611.

ClinVar aggregate classification (germline): Uncertain significance. Review status: criteria provided, multiple submitters, no conflicts (2 of 4 stars). 3 submissions from 3 submitters: Uncertain significance (3). Last evaluated 2025-06-30.

Conditions:
Inborn genetic diseases. Identifiers: MedGen C0950123, MeSH D030342.

Allele frequency attached by ClinVar (database versions not stated): TOPMed 0.00002.
gnomAD v4.1: 100 of 1,603,298 alleles (0.0062%); highest among the groups gnomAD compares: Non-Finnish European, 0.0083%; no homozygotes.

Submissions (3):

Ambry Genetics
Classification: Uncertain significance for Inborn genetic diseases. Last evaluated: 2025-06-30. Review status: criteria provided, single submitter. Criteria: Ambry Variant Classification Scheme 2023. Collection method: clinical testing. Allele origin: germline.

GeneDx
Classification: Uncertain significance. Last evaluated: 2023-03-05. Review status: criteria provided, single submitter. Criteria: GeneDx Variant Classification Process June 2021. Collection method: clinical testing. Allele origin: germline. Affected: yes.
Comment: In silico analysis supports that this missense variant has a deleterious effect on protein structure/function; Has not been previously published as pathogenic or benign to our knowledge

Labcorp Genetics (formerly Invitae), Labcorp
Classification: Uncertain significance. Last evaluated: 2022-01-06. Review status: criteria provided, single submitter. Criteria: Invitae Variant Classification Sherloc (09022015). Collection method: clinical testing. Allele origin: germline.
Comment: This sequence change replaces alanine, which is neutral and non-polar, with aspartic acid, which is acidic and polar, at codon 833 of the DOCK6 protein (p.Ala833Asp). This variant is present in population databases (rs773345225, gnomAD 0.009%). This variant has not been reported in the literature in individuals affected with DOCK6-related conditions. ClinVar contains an entry for this variant (Variation ID: 1001046). Algorithms developed to predict the effect of missense changes on protein structure and function are either unavailable or do not agree on the potential impact of this missense change (SIFT: "Deleterious"; PolyPhen-2: "Possibly Damaging"; Align-GVGD: "Class C0"). In summary, the available evidence is currently insufficient to determine the role of this variant in disease. Therefore, it has been classified as a Variant of Uncertain Significance.